The following is an entry in ClinVar:

ClinVar aggregate classification (germline): Uncertain significance (1 of 4 stars; one submission).

gnomAD v4.1: 29 of 1,613,896 alleles (0.0018%); highest among the groups gnomAD compares: African/African-American, 0.004%; no homozygotes.

Submission:

Labcorp Genetics (formerly Invitae), Labcorp
Classification: Uncertain significance. Last evaluated: 2024-07-02. Review status: criteria provided, single submitter. Criteria: Invitae Variant Classification Sherloc (09022015). Collection method: clinical testing. Allele origin: germline.
Comment: This sequence change replaces arginine, which is basic and polar, with cysteine, which is neutral and slightly polar, at codon 1293 of the NYNRIN protein (p.Arg1293Cys). This variant is present in population databases (rs755628226, gnomAD 0.003%). This variant has not been reported in the literature in individuals affected with NYNRIN-related conditions. Algorithms developed to predict the effect of sequence changes on RNA splicing suggest that this variant may create or strengthen a splice site. In summary, the available evidence is currently insufficient to determine the role of this variant in disease. Therefore, it has been classified as a Variant of Uncertain Significance.

NM_025081.3(NYNRIN):c.3877C>T (p.Arg1293Cys)

Gene: NYNRIN (NYN domain and retroviral integrase containing; plus strand). Cytogenetic location: 14q12.
Variant type: single nucleotide variant.
Coding change: c.3877C>T on transcript NM_025081.3 (MANE Select); coding-DNA position 3877, C replaced by T.
Protein change: p.Arg1293Cys; replaces arginine 1293 with cysteine.
Molecular consequence: missense variant.
Genome position (GRCh38, 1-based): chr14:24,415,626, C>T. VCF-style: chr14-24415626-C-T. GRCh37 (hg19) VCF-style: chr14-24884832-C-T.
Other names: short protein forms R1293C.
Identifiers: ClinVar variation 3618110 (VCV003618110.2).